The following is an entry in ClinVar:

NM_001369.3(DNAH5):c.4090_4091insTATAAGAGACAGT (p.Ala1364delinsValTer)

Genes: DNAH5 (dynein axonemal heavy chain 5; minus strand), DNAH5-AS1 (DNAH5 antisense RNA 1; plus strand). Cytogenetic location: 5p15.2.
Variant type: Insertion.
Coding change: c.4090_4091insTATAAGAGACAGT on transcript NM_001369.3 (MANE Select); coding-DNA positions 4090 to 4091, TATAAGAGACAGT inserted.
Protein change: p.Ala1364delinsValTer.
Molecular consequence: nonsense.
Genome position: GRCh38 VCF-style: chr5-13866245-G-GACTGTCTCTTATA. GRCh37 (hg19) VCF-style: chr5-13866354-G-GACTGTCTCTTATA.
Identifiers: ClinVar variation 5010891 (VCV005010891.1).

ClinVar aggregate classification (germline): Pathogenic (1 of 4 stars; one submission).

Conditions:
Primary ciliary dyskinesia 3. Identifiers: Orphanet 244, MedGen C1837618, MONDO:0012085, OMIM 608644.

Submission:

Myriad Genetics, Inc.
Classification: Pathogenic for Primary ciliary dyskinesia 3. Last evaluated: 2024-05-14. Review status: criteria provided, single submitter. Criteria: Myriad Autosomal Dominant, Autosomal Recessive and X-Linked Classification Criteria (2023). Collection method: clinical testing. Allele origin: unknown.
Comment: NM_001369.2(DNAH5):c.4090_4091ins13(A1364Vfs*2) is expected to be pathogenic in the context of primary ciliary dyskinesia, DNAH5-related. This variant is predicted to lead to an abnormal or absent protein product due to the creation of a premature termination codon in DNAH5, a gene where loss-of-function variants are known to be pathogenic. Please note: this variant was assessed in the context of healthy population screening.